The following is an entry in ClinVar:

ClinVar aggregate classification (germline): Uncertain significance. Review status: criteria provided, multiple submitters, no conflicts (2 of 4 stars). 4 submissions from 4 submitters: Uncertain significance (4). Last evaluated 2026-07-20.

Conditions:
Inborn genetic diseases. Identifiers: MedGen C0950123, MeSH D030342.

Allele frequency attached by ClinVar (database versions not stated): TOPMed 0.00029; 1000 Genomes Project 30x 0.00047; ExAC 0.00020; gnomAD 0.00027; ESP Exome Variant Server 0.00015; 1000 Genomes Project 0.00060.
gnomAD v4.1: 836 of 1,603,442 alleles (0.052%); highest among the groups gnomAD compares: Non-Finnish European, 0.066%; no homozygotes.

Submissions (4):

Ambry Genetics
Classification: Uncertain significance for Inborn genetic diseases. Last evaluated: 2026-07-20. Review status: criteria provided, single submitter. Criteria: Ambry Variant Classification Scheme 2023. Collection method: clinical testing. Allele origin: germline.

Labcorp Genetics (formerly Invitae), Labcorp
Classification: Uncertain significance. Last evaluated: 2025-08-14. Review status: criteria provided, single submitter. Criteria: Invitae Variant Classification Sherloc (09022015). Collection method: clinical testing. Allele origin: germline.
Comment: This sequence change replaces arginine, which is basic and polar, with tryptophan, which is neutral and slightly polar, at codon 1737 of the SPTB protein (p.Arg1737Trp). This variant is present in population databases (rs149727354, gnomAD 0.04%). This variant has not been reported in the literature in individuals affected with SPTB-related conditions. ClinVar contains an entry for this variant (Variation ID: 2690148). An algorithm developed to predict the effect of missense changes on protein structure and function (PolyPhen-2) suggests that this variant is likely to be disruptive. In summary, the available evidence is currently insufficient to determine the role of this variant in disease. Therefore, it has been classified as a Variant of Uncertain Significance.

Blueprint Genetics
Classification: Uncertain significance. Last evaluated: 2024-10-09. Review status: criteria provided, single submitter. Criteria: ACMG Guidelines, 2015. Collection method: clinical testing. Allele origin: germline.

Revvity Omics, Revvity
Classification: Uncertain significance. Last evaluated: 2023-03-22. Review status: criteria provided, single submitter. Criteria: ACMG Guidelines, 2015. Collection method: clinical testing. Allele origin: germline.

NM_001355436.2(SPTB):c.5209C>T (p.Arg1737Trp)

Gene: SPTB (spectrin beta, erythrocytic; minus strand). Cytogenetic location: 14q23.3.
Variant type: single nucleotide variant.
Coding change: c.5209C>T on transcript NM_001355436.2 (MANE Select); coding-DNA position 5209, C replaced by T.
Protein change: p.Arg1737Trp; replaces arginine 1737 with tryptophan.
Molecular consequence: missense variant.
Genome position (GRCh38, 1-based): chr14:64,772,924, G>A on the plus strand (C>T on the coding strand, the complement: SPTB is on the minus strand). VCF-style: chr14-64772924-G-A. GRCh37 (hg19) VCF-style: chr14-65239642-G-A.
Other names: NM_000347.5:c.5209C>T; c.5209C>T, p.Arg1737Trp (NM_001024858.4, NM_001355437.2); short protein forms R1737W.
Identifiers: ClinVar variation 2690148 (VCV002690148.6), dbSNP rs149727354, ClinGen allele CA7230027.